The following is an entry in ClinVar:

NM_153240.5(NPHP3):c.3352C>T (p.Arg1118Cys)

Genes: NPHP3 (nephrocystin 3; minus strand), NPHP3-ACAD11 (NPHP3-ACAD11 readthrough (NMD candidate); minus strand). Cytogenetic location: 3q22.1.
Variant type: single nucleotide variant.
Coding change: c.3352C>T on transcript NM_153240.5 (MANE Select); coding-DNA position 3352, C replaced by T.
Protein change: p.Arg1118Cys; replaces arginine 1118 with cysteine.
Molecular consequence: missense variant. On other transcripts: non-coding transcript variant (1).
Genome position (GRCh38, 1-based): chr3:132,684,772, G>A on the plus strand (C>T on the coding strand, the complement: NPHP3 is on the minus strand). VCF-style: chr3-132684772-G-A. GRCh37 (hg19) VCF-style: chr3-132403616-G-A.
Other names: short protein forms R1118C.
Identifiers: ClinVar variation 1400848 (VCV001400848.4), dbSNP rs757710406, ClinGen allele CA2621759.

ClinVar aggregate classification (germline): Uncertain significance (1 of 4 stars; one submission).

Conditions:
Nephronophthisis. Also called: Juvenile Nephronophthisis. Identifiers: Orphanet 655, MedGen C0687120, MONDO:0019005, HP:0000090.

Allele frequency attached by ClinVar (database versions not stated): gnomAD 0.00001; gnomAD exomes 0.00001; ExAC 0.00002; TOPMed 0.00002.
gnomAD v4.1: 12 of 1,613,480 alleles (0.00074%); highest among the groups gnomAD compares: African/African-American, 0.004%; no homozygotes.

Submission:

Labcorp Genetics (formerly Invitae), Labcorp
Classification: Uncertain significance for Nephronophthisis. Last evaluated: 2022-09-30. Review status: criteria provided, single submitter. Criteria: Invitae Variant Classification Sherloc (09022015). Collection method: clinical testing. Allele origin: germline.
Comment: Advanced modeling of protein sequence and biophysical properties (such as structural, functional, and spatial information, amino acid conservation, physicochemical variation, residue mobility, and thermodynamic stability) performed at Invitae indicates that this missense variant is not expected to disrupt NPHP3 protein function. In summary, the available evidence is currently insufficient to determine the role of this variant in disease. Therefore, it has been classified as a Variant of Uncertain Significance. ClinVar contains an entry for this variant (Variation ID: 1400848). This variant has not been reported in the literature in individuals affected with NPHP3-related conditions. This variant is present in population databases (rs757710406, gnomAD 0.006%). This sequence change replaces arginine, which is basic and polar, with cysteine, which is neutral and slightly polar, at codon 1118 of the NPHP3 protein (p.Arg1118Cys).